The following is an entry in ClinVar:

ClinVar aggregate classification (germline): Conflicting classifications of pathogenicity. Review status: criteria provided, conflicting classifications (1 of 4 stars). 2 submissions from 2 submitters: Uncertain significance (1); Likely benign (1). Last evaluated 2025-12-20.

Allele frequency attached by ClinVar (database versions not stated): gnomAD exomes below 0.00001.
gnomAD v4.1: 5 of 1,614,190 alleles (0.00031%); highest among the groups gnomAD compares: Non-Finnish European, 0.00042%; no homozygotes.

Submissions (2):

Labcorp Genetics (formerly Invitae), Labcorp
Classification: Likely benign. Last evaluated: 2025-12-20. Review status: criteria provided, single submitter. Criteria: Invitae Variant Classification Sherloc (09022015). Collection method: clinical testing. Allele origin: germline.

GeneDx
Classification: Uncertain significance. Last evaluated: 2019-07-25. Review status: criteria provided, single submitter. Criteria: GeneDx Variant Classification Process June 2021. Collection method: clinical testing. Allele origin: germline. Affected: yes.
Comment: Not observed in large population cohorts (Lek et al., 2016); In silico analysis, which includes splice predictors and evolutionary conservation, supports that this variant does not alter protein structure/function; Has not been previously published as pathogenic or benign to our knowledge

NM_001197104.2(KMT2A):c.11724C>T (p.Ile3908=)

Genes: KMT2A (lysine methyltransferase 2A; plus strand), TTC36-AS1 (TTC36 and KMT2A antisense RNA 1; minus strand). Cytogenetic location: 11q23.3.
Variant type: single nucleotide variant.
Coding change: c.11724C>T on transcript NM_001197104.2 (MANE Select); coding-DNA position 11724, C replaced by T.
Protein change: p.Ile3908=; no amino-acid change (isoleucine 3908 retained).
Molecular consequence: synonymous variant.
Genome position (GRCh38, 1-based): chr11:118,521,977, C>T. VCF-style: chr11-118521977-C-T. GRCh37 (hg19) VCF-style: chr11-118392692-C-T.
Other names: c.11715C>T, p.Ile3905= (NM_005933.4).
Identifiers: ClinVar variation 1307292 (VCV001307292.3), dbSNP rs1565319164, ClinGen allele CA477100761.